The following is an entry in ClinVar:

ClinVar aggregate classification (germline): Uncertain significance. Review status: criteria provided, multiple submitters, no conflicts (2 of 4 stars). 2 submissions from 2 submitters: Uncertain significance (2). Last evaluated 2025-10-21.

Conditions:
Hereditary cancer-predisposing syndrome. Also called: Tumor predisposition; Hereditary Cancer Syndrome; Hereditary neoplastic syndrome; Neoplastic Syndromes, Hereditary. Identifiers: Orphanet 140162, MedGen C0027672, MeSH D009386, MONDO:0015356.

Submissions (2):

Ambry Genetics
Classification: Uncertain significance for Hereditary cancer-predisposing syndrome. Last evaluated: 2025-10-21. Review status: criteria provided, single submitter. Criteria: Ambry Variant Classification Scheme 2023. Collection method: clinical testing. Allele origin: germline.
Comment: The p.V533L variant (also known as c.1597G>C), located in coding exon 15 of the POLE gene, results from a G to C substitution at nucleotide position 1597. The valine at codon 533 is replaced by leucine, an amino acid with highly similar properties. This amino acid position is highly conserved in available vertebrate species. In addition, this alteration is predicted to be tolerated by in silico analysis. Based on the available evidence, the clinical significance of this variant remains unclear.

Labcorp Genetics (formerly Invitae), Labcorp
Classification: Uncertain significance. Last evaluated: 2022-01-18. Review status: criteria provided, single submitter. Criteria: Invitae Variant Classification Sherloc (09022015). Collection method: clinical testing. Allele origin: germline.
Comment: In summary, the available evidence is currently insufficient to determine the role of this variant in disease. Therefore, it has been classified as a Variant of Uncertain Significance. Algorithms developed to predict the effect of missense changes on protein structure and function (SIFT, PolyPhen-2, Align-GVGD) all suggest that this variant is likely to be tolerated. This variant has not been reported in the literature in individuals affected with POLE-related conditions. This variant is not present in population databases (gnomAD no frequency). This sequence change replaces valine, which is neutral and non-polar, with leucine, which is neutral and non-polar, at codon 533 of the POLE protein (p.Val533Leu).

NM_006231.4(POLE):c.1597G>C (p.Val533Leu)

Gene: POLE (DNA polymerase epsilon, catalytic subunit; minus strand). Cytogenetic location: 12q24.33.
Variant type: single nucleotide variant.
Coding change: c.1597G>C on transcript NM_006231.4 (MANE Select); coding-DNA position 1597, G replaced by C.
Protein change: p.Val533Leu; replaces valine 533 with leucine.
Molecular consequence: missense variant.
Genome position (GRCh38, 1-based): chr12:132,672,716, C>G on the plus strand (G>C on the coding strand, the complement: POLE is on the minus strand). VCF-style: chr12-132672716-C-G. GRCh37 (hg19) VCF-style: chr12-133249302-C-G.
Other names: c.1597G>C (NM_006231.2); short protein forms V533L.
Identifiers: ClinVar variation 2087434 (VCV002087434.5), dbSNP rs374140892, ClinGen allele CA387356858.